The following is an entry in ClinVar:

ClinVar aggregate classification (germline): Pathogenic. Review status: criteria provided, multiple submitters, no conflicts (2 of 4 stars). 7 submissions from 7 submitters: Pathogenic (5). 2 of the submissions do not count toward it. Last evaluated 2025-12-15.

Conditions:
Spinocerebellar ataxia 42, early-onset, severe, with neurodevelopmental deficits. Identifiers: MedGen C4748120, MONDO:0060758, OMIM 618087.
Spinocerebellar ataxia type 42. Identifiers: Orphanet 458803, MedGen C4225205, MONDO:0014776, OMIM 616795.
Neurodevelopmental abnormality. Identifiers: MedGen C4022737, HP:0012759.
Inborn genetic diseases. Identifiers: MedGen C0950123, MeSH D030342.

Submissions (7):

3billion
Classification: Pathogenic for Spinocerebellar ataxia 42, early-onset, severe, with neurodevelopmental deficits. Last evaluated: 2025-12-15. Review status: criteria provided, single submitter. Criteria: ACMG Guidelines, 2015. Collection method: clinical testing. Allele origin: germline. Affected: yes.
Comment: The variant is not observed in the gnomAD v4.1.0 dataset. Predicted Consequence/Location: Missense variant. Missense changes are a common disease-causing mechanism. Functional studies provide moderate evidence of the variant having a damaging effect on the gene or gene product (PMID: 29878067). In silico tool predictions suggest damaging effect of the variant on gene or gene product [REVEL: 0.89 (>=0.6, sensitivity 0.68 and specificity 0.92); 3Cnet: 0.99 (> 0.75, sensitivity 0.96 and precision 0.92)]. The same nucleotide change resulting in the same amino acid change has been previously reported as pathogenic/likely pathogenic with strong evidence (ClinVar ID: VCV000280269 /PMID: 29878067 /3billion dataset). The variant has been previously reported as de novo in a similarly affected individual (PMID: 29878067). The variant has been observed in at least two similarly affected unrelated individuals (PMID: 29878067). Therefore, this variant is classified as Pathogenic according to the recommendation of ACMG/AMP guideline.

Division of Genetic & Genomic Pathology, Hong Kong Children's Hospital
Classification: Pathogenic for Spinocerebellar ataxia type 42. Last evaluated: 2025-10-24. Review status: criteria provided, single submitter. Criteria: ACMG Guidelines, 2015. Collection method: clinical testing. Allele origin: de novo. Affected: yes.
Comment: CACNA1G c.2881G>A p.(Ala961Thr) is a missense variant located in the S6 segment of the domain II of the protein (PMID: 29878067). The variant is absent from control populations (gnomAD v4.1.0). It has been deposited in ClinVar as pathogenic (VCV000280269.10), and has been reported in multiple patients with early onset spinocerebellar ataxia as a de novo variant (PMID: 29878067, 31836334, 33098379, 34234304, 38003592). This variant is predicted to be moderately deleterious with a REVEL score of 0.894. Experiments showed that the variant impaired channel inactivation properties and is suggestive of a gain-of-function effect (PMID: 29878067). For these reasons, CACNA1G c.2881G>A p.(Ala961Thr) is classified as pathogenic. This variant was NOT detected in the parental blood samples by sanger sequencing and is thus presumed to be de novo.

Ambry Genetics
Classification: Pathogenic for Inborn genetic diseases. Last evaluated: 2024-06-04. Review status: criteria provided, single submitter. Criteria: Ambry Variant Classification Scheme 2023. Collection method: clinical testing. Allele origin: germline.
Comment: The c.2881G>A (p.A961T) alteration is located in coding exon 13 of the CACNA1G gene. This alteration results from a G to A substitution at nucleotide position 2881, causing the alanine (A) at amino acid position 961 to be replaced by a threonine (T). The CACNA1G c.2881G>A alteration was flagged as a low confidence call in the Genome Aggregation Database (gnomAD). This variant has been determined to be the result of a de novo mutation in multiple individual(s) with features consistent with CACNA1G-related spinocerebellar ataxia (Chemin, 2018; Martinez-Rubio, 2023). This amino acid position is highly conserved in available vertebrate species. This missense alteration is located in a region that has a low rate of benign missense variation (Lek, 2016; Firth, 2009). This alteration is predicted to be deleterious by in silico analysis. Based on the available evidence, this alteration is classified as pathogenic.

Institute of Medical Genetics and Genomics, Sir Ganga Ram Hospital
Classification: Pathogenic for Spinocerebellar ataxia 42, early-onset, severe, with neurodevelopmental deficits. Last evaluated: 2023-07-10. Review status: criteria provided, single submitter. Criteria: ACMG Guidelines, 2015. Collection method: clinical testing. Allele origin: de novo. Inheritance: Autosomal dominant inheritance. Affected: yes. Observed: 1 heterozygote.
Comment: This variant has not been reported in gnomAD (aggregated) database (PM2_moderate). Computational tools predict a deleterious effect of the mis-sense variant (PP3_moderate). This variant has been reported previously (PP5_supporting). PMID: 29878067.

GeneDx
Classification: Pathogenic. Last evaluated: 2022-10-20. Review status: criteria provided, single submitter. Criteria: GeneDx Variant Classification Process June 2021. Collection method: clinical testing. Allele origin: germline. Affected: yes.
Comment: Published functional studies of the A961T variant demonstrate a gain of function effect by impairing the inactivation of the channel (Chemin et al., 2018); Not observed at significant frequency in large population cohorts (gnomAD); In silico analysis supports that this missense variant has a deleterious effect on protein structure/function; This variant is associated with the following publications: (PMID: 29878067, 31217264, 33098379, 32736238, 31836334, 31785789, 30842224)

Department of Genetics, Rouen University Hospital, Normandy Center for Genomic and Personalized Medicine
Classification: Pathogenic for Neurodevelopmental abnormality. Last evaluated: 2020-06-04. Review status: no assertion criteria provided. Collection method: clinical testing. Allele origin: de novo. Affected: yes. Not counted in ClinVar's aggregate classification.

OMIM
Classification: Pathogenic for SPINOCEREBELLAR ATAXIA 42, EARLY-ONSET, SEVERE, WITH NEURODEVELOPMENTAL DEFICITS. Last evaluated: 2018-08-14. Review status: no assertion criteria provided. Collection method: literature only. Allele origin: germline. Not counted in ClinVar's aggregate classification.

Literature cited by the submitters: PubMed 29878067 (cited by 5 submitters); PubMed 31836334 (cited by Division of Genetic & Genomic Pathology, Hong Kong Children's Hospital); PubMed 33098379 (cited by Division of Genetic & Genomic Pathology, Hong Kong Children's Hospital); PubMed 34234304 (cited by Division of Genetic & Genomic Pathology, Hong Kong Children's Hospital); PubMed 38003592 (cited by Division of Genetic & Genomic Pathology, Hong Kong Children's Hospital and Ambry Genetics).

NM_018896.5(CACNA1G):c.2881G>A (p.Ala961Thr)

Gene: CACNA1G (calcium voltage-gated channel subunit alpha1 G; plus strand). Cytogenetic location: 17q21.33.
Variant type: single nucleotide variant.
Coding change: c.2881G>A on transcript NM_018896.5 (MANE Select); coding-DNA position 2881, G replaced by A.
Protein change: p.Ala961Thr; replaces alanine 961 with threonine.
Molecular consequence: missense variant. On other transcripts: non-coding transcript variant (5).
Genome position (GRCh38, 1-based): chr17:50,592,063, G>A. VCF-style: chr17-50592063-G-A. GRCh37 (hg19) VCF-style: chr17-48669424-G-A.
Other names: c.2881G>A, p.Ala961Thr (NM_001256324.2, NM_001256325.2, NM_001256326.2 and 24 more transcripts); short protein forms A961T.
Identifiers: ClinVar variation 280269 (VCV000280269.13), dbSNP rs886041505, ClinGen allele CA10603595.